The following is an entry in ClinVar:

NM_001387430.1(SH2B1):c.2138_2139del (p.Glu713fs)

Gene: SH2B1 (SH2B adaptor protein 1; plus strand). Cytogenetic location: 16p11.2.
Variant type: Microsatellite.
Coding change: c.2138_2139del on transcript NM_001387430.1 (MANE Select); coding-DNA positions 2138 to 2139, 2 bases deleted (AG; older notation c.2138_2139delAG).
Protein change: p.Glu713fs; shifts the reading frame from glutamic acid 713.
Molecular consequence: frameshift variant. On other transcripts: 3 prime UTR variant (5).
Genome position (GRCh38, 1-based): chr16:28,873,687-28,873,688, AG deleted; deleting any 2 consecutive bases within chr16:28,873,685-28,873,688 gives the same sequence; the c. name uses the placement nearest the transcript's 3' end. VCF-style (leftmost placement, unchanged base first): chr16-28873684-CAG-C. GRCh37 (hg19) VCF-style: chr16-28885005-CAG-C.
Other names: c.2138_2139del, p.Glu713fs (NM_001145795.2, NM_001308293.2, NM_001387404.1); c.*220AG[1] (NM_001145796.2, NM_001145812.2, NM_001308294.2 and 1 more transcripts); c.*237AG[1] (NM_001145797.2); short protein forms E713fs.
Identifiers: ClinVar variation 4995588 (VCV004995588.1).

ClinVar aggregate classification (germline): Uncertain significance (1 of 4 stars; one submission).

Conditions:
SH2B1-related disorder. Also called: SH2B1-related condition.

Submission:

PreventionGenetics, part of Exact Sciences
Classification: Uncertain significance for SH2B1-related condition. Last evaluated: 2026-07-17. Review status: criteria provided, single submitter. Criteria: ACMG Guidelines, 2015. Collection method: clinical testing. Allele origin: germline.
Comment: The SH2B1 c.2138_2139delAG variant is predicted to result in a frameshift and premature protein termination (p.Glu713Glyfs*26). To our knowledge, this variant has not been reported in the literature or in a large population database (gnomAD), indicating this variant is rare. At this time, the clinical significance of this variant is uncertain due to the absence of conclusive functional and genetic evidence.